The following is an entry in ClinVar:

ClinVar aggregate classification (germline): Uncertain significance (1 of 4 stars; one submission).

Conditions:
Autosomal dominant nocturnal frontal lobe epilepsy 5. Also called: Epilepsy, nocturnal frontal lobe, 5; CILIARY DYSKINESIA, PRIMARY, 28, WITHOUT SITUS INVERSUS; CILIARY DYSKINESIA, PRIMARY, 28, WITH SITUS INVERSUS; KCNT1-Related Epilepsy. Identifiers: Orphanet 98784, MedGen C3554306, MONDO:0014002, OMIM 615005.
Developmental and epileptic encephalopathy, 14 (DEE14). Also called: Early infantile epileptic encephalopathy 14. Identifiers: Orphanet 293181, MedGen C3554195, MONDO:0013989, OMIM 614959.

Submission:

Labcorp Genetics (formerly Invitae), Labcorp
Classification: Uncertain significance for Autosomal dominant nocturnal frontal lobe epilepsy 5; Developmental and epileptic encephalopathy, 14. Last evaluated: 2018-06-12. Review status: criteria provided, single submitter. Criteria: Invitae Variant Classification Sherloc (09022015). Collection method: clinical testing. Allele origin: germline.
Comment: In summary, the available evidence is currently insufficient to determine the role of this variant in disease. Therefore, it has been classified as a Variant of Uncertain Significance. Algorithms developed to predict the effect of missense changes on protein structure and function do not agree on the potential impact of this missense change (SIFT: "Deleterious"; PolyPhen-2: "Possibly Damaging"; Align-GVGD: "Class C0"). This variant has not been reported in the literature in individuals with KCNT1-related disease. This variant is not present in population databases (ExAC no frequency). This sequence change replaces glycine with cysteine at codon 558 of the KCNT1 protein (p.Gly558Cys). The glycine residue is highly conserved and there is a large physicochemical difference between glycine and cysteine.

NM_020822.3(KCNT1):c.1672G>T (p.Gly558Cys)

Gene: KCNT1 (potassium sodium-activated channel subfamily T member 1; plus strand). Cytogenetic location: 9q34.3.
Variant type: single nucleotide variant.
Coding change: c.1672G>T on transcript NM_020822.3 (MANE Select); coding-DNA position 1672, G replaced by T.
Protein change: p.Gly558Cys; replaces glycine 558 with cysteine.
Molecular consequence: missense variant.
Genome position (GRCh38, 1-based): chr9:135,770,350, G>T. VCF-style: chr9-135770350-G-T. GRCh37 (hg19) VCF-style: chr9-138662196-G-T.
Other names: c.1537G>T, p.Gly513Cys (NM_001272003.2); short protein forms G558C, G513C.
Identifiers: ClinVar variation 579123 (VCV000579123.9), dbSNP rs1564370223, ClinGen allele CA375506397.